The following is an entry in ClinVar:

NM_001182.5(ALDH7A1):c.914-13G>C

Gene: ALDH7A1 (aldehyde dehydrogenase 7 family member A1; minus strand). Cytogenetic location: 5q23.2.
Variant type: single nucleotide variant.
Coding change: c.914-13G>C on transcript NM_001182.5 (MANE Select); 13 bases into the intron before coding-DNA position 914, G replaced by C.
Molecular consequence: intron variant.
Genome position (GRCh38, 1-based): chr5:126,559,347, C>G on the plus strand (G>C on the coding strand, the complement: ALDH7A1 is on the minus strand). VCF-style: chr5-126559347-C-G. GRCh37 (hg19) VCF-style: chr5-125895039-C-G.
Other names: c.914-13G>C (NM_001202404.2); c.830-13G>C (NM_001201377.2).
Identifiers: ClinVar variation 507506 (VCV000507506.6), dbSNP rs148928130, ClinGen allele CA3389587.

ClinVar aggregate classification (germline): Likely benign. Review status: criteria provided, multiple submitters, no conflicts (2 of 4 stars). 3 submissions from 3 submitters: Likely benign (3). Last evaluated 2025-03-11.

Conditions:
Pyridoxine-dependent epilepsy (EPEO4). Also called: Pyridoxine-Dependent Seizures; PYRIDOXINE DEPENDENCY WITH SEIZURES; EPILEPSY, EARLY-ONSET, 4, VITAMIN B6-DEPENDENT; Pyridoxine-Dependent Epilepsy - ALDH7A1. Identifiers: Orphanet 3006, MedGen C1849508, MONDO:0009945, OMIM 266100. Disease mechanism: loss of function.

gnomAD v4.1: 5 of 1,601,084 alleles (0.00031%); highest among the groups gnomAD compares: Admixed American, 0.0067%; no homozygotes.

Submissions (3):

Labcorp Genetics (formerly Invitae), Labcorp
Classification: Likely benign for Pyridoxine-dependent epilepsy. Last evaluated: 2025-03-11. Review status: criteria provided, single submitter. Criteria: Invitae Variant Classification Sherloc (09022015). Collection method: clinical testing. Allele origin: germline.

Genome-Nilou Lab
Classification: Likely benign for Pyridoxine-dependent epilepsy. Last evaluated: 2023-04-11. Review status: criteria provided, single submitter. Criteria: ACMG Guidelines, 2015. Collection method: clinical testing. Allele origin: germline. Affected: no.

GeneDx
Classification: Likely benign. Last evaluated: 2017-02-17. Review status: criteria provided, single submitter. Criteria: GeneDx Variant Classification (06012015). Collection method: clinical testing. Allele origin: germline. Affected: yes.
Comment: This variant is considered likely benign or benign based on one or more of the following criteria: it is a conservative change, it occurs at a poorly conserved position in the protein, it is predicted to be benign by multiple in silico algorithms, and/or has population frequency not consistent with disease.